The following is an entry in ClinVar:

NM_001267550.2(TTN):c.15496+5G>C

Gene: TTN (titin; minus strand). Cytogenetic location: 2q31.2.
Variant type: single nucleotide variant.
Coding change: c.15496+5G>C on transcript NM_001267550.2 (MANE Select); 5 bases into the intron after coding-DNA position 15496, G replaced by C.
Molecular consequence: intron variant.
Genome position (GRCh38, 1-based): chr2:178,734,323, C>G on the plus strand (G>C on the coding strand, the complement: TTN is on the minus strand). VCF-style: chr2-178734323-C-G. GRCh37 (hg19) VCF-style: chr2-179599050-C-G.
Other names: c.13282+3759G>C (NM_003319.4); c.13858+3759G>C (NM_133437.4); c.13657+3759G>C (NM_133432.3); c.11764+5G>C (NM_133378.4); c.14545+5G>C (NM_001256850.1).
Identifiers: ClinVar variation 1968476 (VCV001968476.6), dbSNP rs2530264600, ClinGen allele CA2580065144.
Genomic context (GRCh38, chr2:178,734,323, plus strand): 5'-TTCCATGGGGTAAGAAAGCTAGTTTGACAATTTATTAAAGAGACATTAGTTTTTCAAGCA[C>G]TAACCTTTGAGTAAGTGGGTTGCCATGCAGCCACACTTGCCGACTTCATTAGCAACAACA-3'

ClinVar aggregate classification (germline): Uncertain significance. Review status: criteria provided, multiple submitters, no conflicts (2 of 4 stars). 2 submissions from 2 submitters: Uncertain significance (2). Last evaluated 2025-12-22.

Conditions:
Dilated cardiomyopathy 1G (CMD1G). Identifiers: Orphanet 154, MedGen C1858763, MONDO:0011400, OMIM 604145.
Autosomal recessive limb-girdle muscular dystrophy type 2J (LGMDR10). Also called: Limb-girdle muscular dystrophy, type 2J; MUSCULAR DYSTROPHY, LIMB-GIRDLE, AUTOSOMAL RECESSIVE 10. Identifiers: Orphanet 140922, MedGen C1837342, MONDO:0012127, OMIM 608807.

Allele frequency attached by ClinVar (database versions not stated): gnomAD exomes below 0.00001.
gnomAD v4.1: 3 of 1,576,270 alleles (0.00019%); highest among the groups gnomAD compares: Non-Finnish European, 0.00026%; no homozygotes.

Submissions (2):

Labcorp Genetics (formerly Invitae), Labcorp
Classification: Uncertain significance for Dilated cardiomyopathy 1G; Autosomal recessive limb-girdle muscular dystrophy type 2J. Last evaluated: 2025-12-22. Review status: criteria provided, single submitter. Criteria: Invitae Variant Classification Sherloc (09022015). Collection method: clinical testing. Allele origin: germline.
Comment: This sequence change falls in intron 52 of the TTN gene. It does not directly change the encoded amino acid sequence of the TTN protein. It affects a nucleotide within the consensus splice site. This variant is not present in population databases (gnomAD no frequency). This variant has not been reported in the literature in individuals affected with TTN-related conditions. ClinVar contains an entry for this variant (Variation ID: 1968476). Variants that disrupt the consensus splice site are a relatively common cause of aberrant splicing (PMID: 17576681, 9536098). Algorithms developed to predict the effect of sequence changes on RNA splicing suggest that this variant may disrupt the consensus splice site. This variant is located in the I band of TTN (PMID: 25589632). Non-truncating variants in this region may be clinically relevant, but have not been definitively shown to cause cardiomyopathy or neuromuscular disease (PMID: 27493940, 32778822). In summary, the available evidence is currently insufficient to determine the role of this variant in disease. Therefore, it has been classified as a Variant of Uncertain Significance.

Blueprint Genetics
Classification: Uncertain significance. Last evaluated: 2024-06-05. Review status: criteria provided, single submitter. Criteria: ACMG Guidelines, 2015. Collection method: clinical testing. Allele origin: germline.

Literature cited by the submitters: PubMed 17576681 (cited by Labcorp Genetics (formerly Invitae), Labcorp); PubMed 9536098 (cited by Labcorp Genetics (formerly Invitae), Labcorp); PubMed 25589632 (cited by Labcorp Genetics (formerly Invitae), Labcorp); PubMed 27493940 (cited by Labcorp Genetics (formerly Invitae), Labcorp); PubMed 32778822 (cited by Labcorp Genetics (formerly Invitae), Labcorp).